The following is an entry in ClinVar:

ClinVar aggregate classification (germline): Uncertain significance. Review status: criteria provided, multiple submitters, no conflicts (2 of 4 stars). 3 submissions from 3 submitters: Uncertain significance (3). Last evaluated 2026-06-11.

Conditions:
Inborn genetic diseases. Identifiers: MedGen C0950123, MeSH D030342.
MYO5B-related disorder. Also called: MYO5B-related condition.

Allele frequency attached by ClinVar (database versions not stated): TOPMed 0.00002; gnomAD exomes 0.00003 and 0.00008; gnomAD 0.00004.
gnomAD v4.1: 115 of 1,461,590 alleles (0.0079%); highest among the groups gnomAD compares: Non-Finnish European, 0.0097%; no homozygotes.

Submissions (3):

PreventionGenetics, part of Exact Sciences
Classification: Uncertain significance for MYO5B-related condition. Last evaluated: 2026-06-11. Review status: criteria provided, single submitter. Criteria: ACMG Guidelines, 2015. Collection method: clinical testing. Allele origin: germline.
Comment: The MYO5B c.15G>T variant is predicted to result in the amino acid substitution p.Glu5Asp. To our knowledge, this variant has not been reported in the literature. This variant is reported in 0.0071% of alleles in individuals of European (Non-Finnish) descent in gnomAD. At this time, the clinical significance of this variant is uncertain due to the absence of conclusive functional and genetic evidence.

Labcorp Genetics (formerly Invitae), Labcorp
Classification: Uncertain significance. Last evaluated: 2026-01-14. Review status: criteria provided, single submitter. Criteria: Invitae Variant Classification Sherloc (09022015). Collection method: clinical testing. Allele origin: germline.
Comment: This sequence change replaces glutamic acid, which is acidic and polar, with aspartic acid, which is acidic and polar, at codon 5 of the MYO5B protein (p.Glu5Asp). This variant is present in population databases (no rsID available, gnomAD 0.005%). This variant has not been reported in the literature in individuals affected with MYO5B-related conditions. ClinVar contains an entry for this variant (Variation ID: 1419836). An algorithm developed to predict the effect of missense changes on protein structure and function (PolyPhen-2) suggests that this variant is likely to be tolerated. In summary, the available evidence is currently insufficient to determine the role of this variant in disease. Therefore, it has been classified as a Variant of Uncertain Significance.

Ambry Genetics
Classification: Uncertain significance for Inborn genetic diseases. Last evaluated: 2022-06-09. Review status: criteria provided, single submitter. Criteria: Ambry Variant Classification Scheme 2023. Collection method: clinical testing. Allele origin: germline.

NM_001080467.3(MYO5B):c.15G>T (p.Glu5Asp)

Gene: MYO5B (myosin VB; minus strand). Cytogenetic location: 18q21.1.
Variant type: single nucleotide variant.
Coding change: c.15G>T on transcript NM_001080467.3 (MANE Select); coding-DNA position 15, G replaced by T.
Protein change: p.Glu5Asp; replaces glutamic acid 5 with aspartic acid.
Molecular consequence: missense variant.
Genome position (GRCh38, 1-based): chr18:50,194,779, C>A on the plus strand (G>T on the coding strand, the complement: MYO5B is on the minus strand). VCF-style: chr18-50194779-C-A. GRCh37 (hg19) VCF-style: chr18-47721149-C-A.
Other names: c.15G>T (NM_001080467.2); short protein forms E5D.
Identifiers: ClinVar variation 1419836 (VCV001419836.9), dbSNP rs1307013087, ClinGen allele CA402439692.
Genomic context (GRCh38, chr18:50,194,779, plus strand): 5'-GAGCGCGCCACCCCGGCCCCGGGGCGCCTCCCTCGCGGCCGCGCTCACCTGGCTGTAGAG[C>A]TCGCCCACCGACATGGCCCGGGCCGGGCGGGGCTCGGGCCCCGGCTCCTGGCTGCCCCGC-3'
Protein context (NP_001073936.1, residues 1-15): MSVG[Glu5Asp]LYSQCTRVWI